The following is an entry in ClinVar:

NM_001363.5(DKC1):c.16+402G>A

Genes: DKC1 (dyskerin pseudouridine synthase 1; plus strand), LOC130068887 (ATAC-STARR-seq lymphoblastoid active region 30069; plus strand). Cytogenetic location: Xq28.
Variant type: single nucleotide variant.
Coding change: c.16+402G>A on transcript NM_001363.5 (MANE Select); 402 bases into the intron after coding-DNA position 16, G replaced by A.
Molecular consequence: intron variant.
Genome position (GRCh38, 1-based): chrX:154,763,383, G>A. VCF-style: chrX-154763383-G-A. GRCh37 (hg19) VCF-style: chrX-153991658-G-A.
Other names: c.16+402G>A (NM_001288747.2, NM_001142463.3).
Identifiers: ClinVar variation 1702762 (VCV001702762.2), dbSNP rs782695290, ClinGen allele CA337305334.

ClinVar aggregate classification (germline): Likely benign (1 of 4 stars; one submission).

Allele frequency attached by ClinVar (database versions not stated): 1000 Genomes Project 30x 0.00104; 1000 Genomes Project 0.00106; TOPMed 0.00319; gnomAD 0.00448 and 0.00467.
gnomAD v4.1: 515 of 112,488 alleles (0.46%); highest among the groups gnomAD compares: Middle Eastern, 1.4%; 1 homozygote.

Submission:

GeneDx
Classification: Likely benign. Last evaluated: 2022-02-18. Review status: criteria provided, single submitter. Criteria: GeneDx Variant Classification Process June 2021. Collection method: clinical testing. Allele origin: germline. Affected: yes.
Comment: See Variant Classification Assertion Criteria.